The following is an entry in ClinVar:

ClinVar aggregate classification (germline): Uncertain significance (1 of 4 stars; one submission).

Conditions:
Developmental and epileptic encephalopathy, 12 (DEE12). Identifiers: MedGen C3150988, MONDO:0013389, OMIM 613722.

gnomAD v4.1: 1 of 1,614,196 alleles (0.000062%); highest among the groups gnomAD compares: Non-Finnish European, 0.000085%; no homozygotes.

Submission:

Labcorp Genetics (formerly Invitae), Labcorp
Classification: Uncertain significance for Developmental and epileptic encephalopathy, 12. Last evaluated: 2025-02-03. Review status: criteria provided, single submitter. Criteria: Invitae Variant Classification Sherloc (09022015). Collection method: clinical testing. Allele origin: germline.
Comment: This sequence change replaces arginine, which is basic and polar, with leucine, which is neutral and non-polar, at codon 105 of the PNKP protein (p.Arg105Leu). This variant is not present in population databases (gnomAD no frequency). This variant has not been reported in the literature in individuals affected with PNKP-related conditions. ClinVar contains an entry for this variant (Variation ID: 1941523). An algorithm developed to predict the effect of missense changes on protein structure and function outputs the following: PolyPhen-2: "Benign". The leucine amino acid residue is found in multiple mammalian species, which suggests that this missense change does not adversely affect protein function. In summary, the available evidence is currently insufficient to determine the role of this variant in disease. Therefore, it has been classified as a Variant of Uncertain Significance.

NM_007254.4(PNKP):c.314G>T (p.Arg105Leu)

Gene: PNKP (polynucleotide kinase 3'-phosphatase; minus strand). Cytogenetic location: 19q13.33.
Variant type: single nucleotide variant.
Coding change: c.314G>T on transcript NM_007254.4 (MANE Select); coding-DNA position 314, G replaced by T.
Protein change: p.Arg105Leu; replaces arginine 105 with leucine.
Molecular consequence: missense variant.
Genome position (GRCh38, 1-based): chr19:49,865,311, C>A on the plus strand (G>T on the coding strand, the complement: PNKP is on the minus strand). VCF-style: chr19-49865311-C-A. GRCh37 (hg19) VCF-style: chr19-50368568-C-A.
Other names: short protein forms R105L.
Identifiers: ClinVar variation 1941523 (VCV001941523.5), dbSNP rs535302504, ClinGen allele CA406890473.